The following is an entry in ClinVar:

ClinVar aggregate classification (germline): Likely benign. Review status: criteria provided, single submitter (1 of 4 stars). 2 submissions from 2 submitters: Likely benign (1). 1 of the submissions does not count toward it. Last evaluated 2025-04-21.

Conditions:
ARHGAP31-related disorder. Also called: ARHGAP31-related condition.

Allele frequency attached by ClinVar (database versions not stated): gnomAD exomes 0.00003 and 0.00005; gnomAD 0.00007; ExAC 0.00008; ESP Exome Variant Server 0.00008; TOPMed 0.00011; 1000 Genomes Project 30x 0.00016; 1000 Genomes Project 0.00020.
gnomAD v4.1: 53 of 1,614,108 alleles (0.0033%); highest among the groups gnomAD compares: Admixed American, 0.017%; no homozygotes.

Submissions (2):

Labcorp Genetics (formerly Invitae), Labcorp
Classification: Likely benign. Last evaluated: 2025-04-21. Review status: criteria provided, single submitter. Criteria: Invitae Variant Classification Sherloc (09022015). Collection method: clinical testing. Allele origin: germline.

PreventionGenetics, part of Exact Sciences
Classification: Likely benign for ARHGAP31-related condition. Last evaluated: 2019-05-07. Review status: no assertion criteria provided. Collection method: clinical testing. Allele origin: germline. Not counted in ClinVar's aggregate classification.
Comment: This variant is classified as likely benign based on ACMG/AMP sequence variant interpretation guidelines (Richards et al. 2015 PMID: 25741868, with internal and published modifications).

NM_020754.4(ARHGAP31):c.150C>T (p.Ile50=)

Gene: ARHGAP31 (Rho GTPase activating protein 31; plus strand). Cytogenetic location: 3q13.33.
Variant type: single nucleotide variant.
Coding change: c.150C>T on transcript NM_020754.4 (MANE Select); coding-DNA position 150, C replaced by T.
Protein change: p.Ile50=; no amino-acid change (isoleucine 50 retained).
Molecular consequence: synonymous variant.
Genome position (GRCh38, 1-based): chr3:119,365,365, C>T. VCF-style: chr3-119365365-C-T. GRCh37 (hg19) VCF-style: chr3-119084212-C-T.
Identifiers: ClinVar variation 744148 (VCV000744148.11), dbSNP rs375072197, ClinGen allele CA2553480.
Genomic context (GRCh38, chr3:119,365,365, plus strand): 5'-CTTTTACATAGTTCCATACGTTTTGAAGAGCTGTGCAGAATTTATAGAGACTCACGGCAT[C>T]GTGGATGGAATCTATCGGCTTTCAGGAGTCACCTCAAACATACAACGGCTAAGGTAAGCT-3'
Protein context (NP_065805.2, residues 40-60): SCAEFIETHG[Ile50=]VDGIYRLSGV